The following is an entry in ClinVar:

ClinVar aggregate classification (germline): Uncertain significance. Review status: criteria provided, multiple submitters, no conflicts (2 of 4 stars). 3 submissions from 3 submitters: Uncertain significance (3). Last evaluated 2024-06-11.

Conditions:
Joubert syndrome 17 (JBTS17). Identifiers: Orphanet 475, MedGen C3553264, MONDO:0013824, OMIM 614615.
Orofaciodigital syndrome type 6 (OFD6). Also called: Oral-facial-digital syndrome type 6; Central polydactyly cleft lip/palate or lingual lump and psychomotor retardation; Y-shaped central metacarpal and cerebellar defect; Joubert syndrome with orofacialdigital anomalies; OFDS VI; POLYDACTYLY, CLEFT LIP/PALATE OR LINGUAL LUMP, AND PSYCHOMOTOR RETARDATION. Identifiers: Orphanet 2754, MedGen C2745997, MONDO:0010176, OMIM 277170.

Allele frequency attached by ClinVar (database versions not stated): ExAC 0.00001; gnomAD 0.00001; gnomAD exomes 0.00001.
gnomAD v4.1: 32 of 1,614,020 alleles (0.002%); highest among the groups gnomAD compares: Non-Finnish European, 0.0025%; no homozygotes.

Submissions (3):

Fulgent Genetics
Classification: Uncertain significance for Orofaciodigital syndrome type 6; Joubert syndrome 17. Last evaluated: 2024-06-11. Review status: criteria provided, single submitter. Criteria: ACMG Guidelines, 2015. Collection method: clinical testing. Allele origin: germline.

GeneDx
Classification: Uncertain significance. Last evaluated: 2023-06-01. Review status: criteria provided, single submitter. Criteria: GeneDx Variant Classification Process June 2021. Collection method: clinical testing. Allele origin: germline. Affected: yes.
Comment: In silico analysis supports that this missense variant does not alter protein structure/function; Has not been previously published as pathogenic or benign to our knowledge

Labcorp Genetics (formerly Invitae), Labcorp
Classification: Uncertain significance. Last evaluated: 2021-09-30. Review status: criteria provided, single submitter. Criteria: Invitae Variant Classification Sherloc (09022015). Collection method: clinical testing. Allele origin: germline.
Comment: This sequence change replaces alanine with glycine at codon 2216 of the CPLANE1 protein (p.Ala2216Gly). The alanine residue is highly conserved and there is a small physicochemical difference between alanine and glycine. This variant is present in population databases (rs749403465, ExAC 0.001%). This variant has not been reported in the literature in individuals affected with CPLANE1-related conditions. Advanced modeling of protein sequence and biophysical properties (such as structural, functional, and spatial information, amino acid conservation, physicochemical variation, residue mobility, and thermodynamic stability) performed at Invitae indicates that this missense variant is not expected to disrupt CPLANE1 protein function. In summary, the available evidence is currently insufficient to determine the role of this variant in disease. Therefore, it has been classified as a Variant of Uncertain Significance.

NM_001384732.1(CPLANE1):c.6647C>G (p.Ala2216Gly)

Gene: CPLANE1 (ciliogenesis and planar polarity effector complex subunit 1; minus strand). Cytogenetic location: 5p13.2.
Variant type: single nucleotide variant.
Coding change: c.6647C>G on transcript NM_001384732.1 (MANE Select); coding-DNA position 6647, C replaced by G.
Protein change: p.Ala2216Gly; replaces alanine 2216 with glycine.
Molecular consequence: missense variant.
Genome position (GRCh38, 1-based): chr5:37,169,377, G>C on the plus strand (C>G on the coding strand, the complement: CPLANE1 is on the minus strand). VCF-style: chr5-37169377-G-C. GRCh37 (hg19) VCF-style: chr5-37169479-G-C.
Other names: c.6647C>G, p.Ala2216Gly (NM_023073.4); short protein forms A2216G.
Identifiers: ClinVar variation 1364578 (VCV001364578.8), dbSNP rs749403465, ClinGen allele CA3238206.